The following is an entry in ClinVar:

ClinVar aggregate classification (germline): Uncertain significance. Review status: criteria provided, multiple submitters, no conflicts (2 of 4 stars). 4 submissions from 4 submitters: Uncertain significance (3). 1 of the submissions does not count toward it. Last evaluated 2023-05-23.

Conditions:
Cardiovascular phenotype. Identifiers: MedGen CN230736.
Charcot-Marie-Tooth disease type 2. Also called: Charcot-Marie-Tooth type 2. Identifiers: Orphanet 64746, MedGen C0270914, MONDO:0018993.

Submissions (4):

Labcorp Genetics (formerly Invitae), Labcorp
Classification: Uncertain significance for Charcot-Marie-Tooth disease type 2. Last evaluated: 2023-05-23. Review status: criteria provided, single submitter. Criteria: Invitae Variant Classification Sherloc (09022015). Collection method: clinical testing. Allele origin: germline.
Comment: In summary, the available evidence is currently insufficient to determine the role of this variant in disease. Therefore, it has been classified as a Variant of Uncertain Significance. Experimental studies have shown that this missense change affects LMNA function (PMID: 34862408). Advanced modeling of protein sequence and biophysical properties (such as structural, functional, and spatial information, amino acid conservation, physicochemical variation, residue mobility, and thermodynamic stability) performed at Invitae indicates that this missense variant is expected to disrupt LMNA protein function. ClinVar contains an entry for this variant (Variation ID: 66950). This missense change has been observed in individual(s) with clinical features of LMNA-related conditions (PMID: 20848652). This variant is not present in population databases (gnomAD no frequency). This sequence change replaces serine, which is neutral and polar, with proline, which is neutral and non-polar, at codon 295 of the LMNA protein (p.Ser295Pro).

Revvity Omics, Revvity
Classification: Uncertain significance. Last evaluated: 2019-01-23. Review status: criteria provided, single submitter. Criteria: ACMG Guidelines, 2015. Collection method: clinical testing. Allele origin: germline.

Ambry Genetics
Classification: Uncertain significance for Cardiovascular phenotype. Last evaluated: 2017-03-02. Review status: criteria provided, single submitter. Criteria: Ambry Variant Classification Scheme 2023. Collection method: clinical testing. Allele origin: germline.
Comment: The p.S295P variant (also known as c.883T>C), located in coding exon 5 of the LMNA gene, results from a T to C substitution at nucleotide position 883. The serine at codon 295 is replaced by proline, an amino acid with similar properties, and is located in the coil 2 domain. This alteration has been reported in a single individual with muscular dystrophy and cardiomyopathy with conduction disease (Scharner J et al. Hum. Mutat., 2011 Feb;32:152-67). This variant alters nuclear morphology as well as Lamin A and Lamin B1/emerin distribution (Scharner J et al. Gene Ther., 2015 Jun;22:503-15). This amino acid position is not well conserved in available vertebrate species. In addition, this alteration is predicted to be deleterious by in silico analysis. Since supporting evidence is limited at this time, the clinical significance of this alteration remains unclear.

Epithelial Biology;  Institute of Medical Biology, Singapore
No classification provided. Review status: no classification provided. Collection method: not provided. Allele origin: not provided. Not counted in ClinVar's aggregate classification.

Literature cited by the submitters: PubMed 34862408 (cited by Labcorp Genetics (formerly Invitae), Labcorp); PubMed 20848652 (cited by Labcorp Genetics (formerly Invitae), Labcorp and Ambry Genetics); PubMed 25832542 (cited by Ambry Genetics).

NM_170707.4(LMNA):c.883T>C (p.Ser295Pro)

Gene: LMNA (lamin A/C; plus strand). Cytogenetic location: 1q22.
Variant type: single nucleotide variant.
Coding change: c.883T>C on transcript NM_170707.4 (MANE Select); coding-DNA position 883, T replaced by C.
Protein change: p.Ser295Pro; replaces serine 295 with proline.
Molecular consequence: missense variant.
Genome position (GRCh38, 1-based): chr1:156,135,259, T>C. VCF-style: chr1-156135259-T-C. GRCh37 (hg19) VCF-style: chr1-156105050-T-C.
Other names: c.547T>C, p.Ser183Pro (NM_001257374.3); c.640T>C, p.Ser214Pro (NM_001282624.2); c.883T>C, p.Ser295Pro (NM_001282625.2, NM_001282626.2, NM_005572.4 and 1 more transcripts); c.883T>C (NM_170707.3); short protein forms S295P, S183P, S214P.
Identifiers: ClinVar variation 66950 (VCV000066950.10), dbSNP rs267607633, ClinGen allele CA018804.
Genomic context (GRCh38, chr1:156,135,259, plus strand): 5'-AGGCAGTCTGCTGAGAGGAACAGCAACCTGGTGGGGGCTGCCCACGAGGAGCTGCAGCAG[T>C]CGCGCATCCGCATCGACAGCCTCTCTGCCCAGCTCAGCCAGCTCCAGAAGCAGGTGATAC-3'
Protein context (NP_733821.1, residues 285-305): VGAAHEELQQ[Ser295Pro]RIRIDSLSAQ